The following is an entry in ClinVar:

ClinVar aggregate classification (germline): Uncertain significance. Review status: criteria provided, multiple submitters, no conflicts (2 of 4 stars). 3 submissions from 3 submitters: Uncertain significance (3). Last evaluated 2025-05-25.

Conditions:
Inborn genetic diseases. Identifiers: MedGen C0950123, MeSH D030342.

Submissions (3):

Ambry Genetics
Classification: Uncertain significance for Inborn genetic diseases. Last evaluated: 2025-05-25. Review status: criteria provided, single submitter. Criteria: Ambry Variant Classification Scheme 2023. Collection method: clinical testing. Allele origin: germline.

Blueprint Genetics
Classification: Uncertain significance. Last evaluated: 2022-09-28. Review status: criteria provided, single submitter. Criteria: ACMG Guidelines, 2015. Collection method: clinical testing. Allele origin: germline.

Labcorp Genetics (formerly Invitae), Labcorp
Classification: Uncertain significance. Last evaluated: 2021-12-03. Review status: criteria provided, single submitter. Criteria: Invitae Variant Classification Sherloc (09022015). Collection method: clinical testing. Allele origin: germline.
Comment: This sequence change replaces glycine, which is neutral and non-polar, with glutamic acid, which is acidic and polar, at codon 228 of the PHYH protein (p.Gly228Glu). The frequency data for this variant in the population databases is considered unreliable, as metrics indicate poor data quality at this position in the gnomAD database. This variant has not been reported in the literature in individuals affected with PHYH-related conditions. Algorithms developed to predict the effect of missense changes on protein structure and function are either unavailable or do not agree on the potential impact of this missense change (SIFT: "Deleterious"; PolyPhen-2: "Possibly Damaging"; Align-GVGD: "Class C0"). In summary, the available evidence is currently insufficient to determine the role of this variant in disease. Therefore, it has been classified as a Variant of Uncertain Significance.

NM_006214.4(PHYH):c.683G>A (p.Gly228Glu)

Gene: PHYH (phytanoyl-CoA 2-hydroxylase; minus strand). Cytogenetic location: 10p13.
Variant type: single nucleotide variant.
Coding change: c.683G>A on transcript NM_006214.4 (MANE Select); coding-DNA position 683, G replaced by A.
Protein change: p.Gly228Glu; replaces glycine 228 with glutamic acid.
Molecular consequence: missense variant.
Genome position (GRCh38, 1-based): chr10:13,283,835, C>T on the plus strand (G>A on the coding strand, the complement: PHYH is on the minus strand). VCF-style: chr10-13283835-C-T. GRCh37 (hg19) VCF-style: chr10-13325835-C-T.
Other names: c.683G>A (NM_006214.3); c.383G>A, p.Gly128Glu (NM_001037537.2, NM_001323080.2); c.689G>A, p.Gly230Glu (NM_001323082.2); c.419G>A, p.Gly140Glu (NM_001323083.2); c.389G>A, p.Gly130Glu (NM_001323084.2); short protein forms G140E, G128E, G228E, G230E, G130E.
Identifiers: ClinVar variation 1347183 (VCV001347183.5), dbSNP rs768919554, ClinGen allele CA5412257.